The following is an entry in ClinVar:

NM_001267550.2(TTN):c.19728C>T (p.Phe6576=)

Genes: TTN (titin; minus strand), LOC126806429 (BRD4-independent group 4 enhancer GRCh37_chr2:179591393-179592592; plus strand). Cytogenetic location: 2q31.2.
Variant type: single nucleotide variant.
Coding change: c.19728C>T on transcript NM_001267550.2 (MANE Select); coding-DNA position 19728, C replaced by T.
Protein change: p.Phe6576=; no amino-acid change (phenylalanine 6576 retained).
Molecular consequence: synonymous variant. On other transcripts: intron variant (3).
Genome position (GRCh38, 1-based): chr2:178,727,850, G>A on the plus strand (C>T on the coding strand, the complement: TTN is on the minus strand). VCF-style: chr2-178727850-G-A. GRCh37 (hg19) VCF-style: chr2-179592577-G-A.
Other names: c.18777C>T, p.Phe6259= (NM_001256850.1); c.15996C>T, p.Phe5332= (NM_133378.4); c.13282+10232C>T (NM_003319.4); c.13858+10232C>T (NM_133437.4); c.13657+10232C>T (NM_133432.3).
Identifiers: ClinVar variation 228063 (VCV000228063.28), dbSNP rs751902051, ClinGen allele CA2001344.

ClinVar aggregate classification (germline): Conflicting classifications of pathogenicity. Review status: criteria provided, conflicting classifications (1 of 4 stars). 5 submissions from 5 submitters: Uncertain significance (1); Likely benign (4). Last evaluated 2025-10-17.

Conditions:
Autosomal recessive limb-girdle muscular dystrophy type 2J (LGMDR10). Also called: Limb-girdle muscular dystrophy, type 2J; MUSCULAR DYSTROPHY, LIMB-GIRDLE, AUTOSOMAL RECESSIVE 10. Identifiers: Orphanet 140922, MedGen C1837342, MONDO:0012127, OMIM 608807.
Dilated cardiomyopathy 1G (CMD1G). Identifiers: Orphanet 154, MedGen C1858763, MONDO:0011400, OMIM 604145.

Allele frequency attached by ClinVar (database versions not stated): gnomAD 0.00003; TOPMed 0.00003; ExAC 0.00004; gnomAD exomes 0.00004 and 0.00006.
gnomAD v4.1: 85 of 1,588,452 alleles (0.0054%); highest among the groups gnomAD compares: Non-Finnish European, 0.0068%; no homozygotes.

Submissions (5):

Labcorp Genetics (formerly Invitae), Labcorp
Classification: Likely benign for Dilated cardiomyopathy 1G; Autosomal recessive limb-girdle muscular dystrophy type 2J. Last evaluated: 2025-10-17. Review status: criteria provided, single submitter. Criteria: Invitae Variant Classification Sherloc (09022015). Collection method: clinical testing. Allele origin: germline.

Blueprint Genetics
Classification: Likely benign. Last evaluated: 2024-10-31. Review status: criteria provided, single submitter. Criteria: ACMG Guidelines, 2015. Collection method: clinical testing. Allele origin: germline.

GeneDx
Classification: Likely benign. Last evaluated: 2020-09-18. Review status: criteria provided, single submitter. Criteria: GeneDx Variant Classification Process June 2021. Collection method: clinical testing. Allele origin: germline. Affected: yes.

Eurofins Ntd Llc (ga)
Classification: Uncertain significance. Last evaluated: 2015-08-17. Review status: criteria provided, single submitter. Criteria: EGL Classification Definitions 2015. Collection method: clinical testing. Allele origin: germline. Observed: 1 variant allele, 1 heterozygote.

Laboratory for Molecular Medicine, Mass General Brigham Personalized Medicine
Classification: Likely benign. Last evaluated: 2015-06-25. Review status: criteria provided, single submitter. Criteria: LMM Criteria. Collection method: clinical testing. Allele origin: germline. Observed: 1 variant allele.
Comment: p.Phe5332Phe in exon 65 of TTN: This variant is not expected to have clinical si gnificance because it does not alter an amino acid residue and is not located wi thin the splice consensus sequence. It has been identified in 5/64462 European c hromosomes by the Exome Aggregation Consortium (ExAC .org).